The following is an entry in ClinVar:

ClinVar aggregate classification (germline): Pathogenic. Review status: criteria provided, multiple submitters, no conflicts (2 of 4 stars). 2 submissions from 2 submitters: Pathogenic (2). Last evaluated 2026-02-19.

Conditions:
Autosomal recessive nonsyndromic hearing loss 77. Identifiers: Orphanet 90636, MedGen C2746083, MONDO:0013119, OMIM 613079.

Submissions (2):

Victorian Clinical Genetics Services, Murdoch Childrens Research Institute
Classification: Pathogenic for Autosomal recessive nonsyndromic hearing loss 77. Last evaluated: 2026-02-19. Review status: criteria provided, single submitter. Criteria: ACMG Guidelines, 2015. Collection method: clinical testing. Allele origin: germline. Affected: yes.
Comment: This variant is classified as Pathogenic. Evidence in support of pathogenic classification: Variant is predicted to cause nonsense-mediated decay (NMD) and loss of protein (premature termination codon is located at least 54 nucleotides upstream of the final exon-exon junction); Variant is absent from gnomAD (v2, v3 and v4); This variant has limited previous evidence of pathogenicity in an unrelated individual. This variant has been classified as pathogenic by a clinical laboratory in ClinVar; Other NMD-predicted variants comparable to the one identified in this case have very strong previous evidence for pathogenicity (DECIPHER). Additional information: This variant is homozygous; This gene is associated with autosomal recessive disease; Loss of function is a known mechanism of disease in this gene and is associated with deafness 77 (MIM#613079); Inheritance information for this variant is not currently available in this individual.

Labcorp Genetics (formerly Invitae), Labcorp
Classification: Pathogenic. Last evaluated: 2024-01-24. Review status: criteria provided, single submitter. Criteria: Invitae Variant Classification Sherloc (09022015). Collection method: clinical testing. Allele origin: germline.
Comment: This sequence change creates a premature translational stop signal (p.Ser764Alafs*169) in the LOXHD1 gene. It is expected to result in an absent or disrupted protein product. Loss-of-function variants in LOXHD1 are known to be pathogenic (PMID: 19732867, 21465660, 25792669). This variant is not present in population databases (gnomAD no frequency). This variant has not been reported in the literature in individuals affected with LOXHD1-related conditions. ClinVar contains an entry for this variant (Variation ID: 1393322). For these reasons, this variant has been classified as Pathogenic.

Literature cited by the submitters: PubMed 19732867 (cited by Labcorp Genetics (formerly Invitae), Labcorp); PubMed 21465660 (cited by Labcorp Genetics (formerly Invitae), Labcorp); PubMed 25792669 (cited by Labcorp Genetics (formerly Invitae), Labcorp).

NM_001384474.1(LOXHD1):c.2289del (p.Ser764fs)

Gene: LOXHD1 (lipoxygenase homology PLAT domains 1; minus strand). Cytogenetic location: 18q21.1.
Variant type: Deletion.
Coding change: c.2289del on transcript NM_001384474.1 (MANE Select); coding-DNA position 2289, one base deleted (C; older notation c.2289delC).
Protein change: p.Ser764fs; shifts the reading frame from serine 764.
Molecular consequence: frameshift variant.
Genome position (GRCh38, 1-based): chr18:46,566,405, G deleted on the plus strand (C on the coding strand, the reverse complement: LOXHD1 is on the minus strand); the first of 2 consecutive G bases (chr18:46,566,405-46,566,406); deleting either gives the same sequence. VCF-style (leftmost placement, unchanged base first): chr18-46566404-TG-T. GRCh37 (hg19) VCF-style: chr18-44146367-TG-T.
Other names: c.2289del, p.Ser764fs (NM_144612.7); short protein forms S764fs.
Identifiers: ClinVar variation 1393322 (VCV001393322.7), dbSNP rs2144060522, ClinGen allele CA2573155319.